The following is an entry in ClinVar:

ClinVar aggregate classification (germline): Likely benign. Review status: criteria provided, multiple submitters, no conflicts (2 of 4 stars). 4 submissions from 4 submitters: Likely benign (4). Last evaluated 2025-12-17.

Conditions:
Familial thoracic aortic aneurysm and aortic dissection (TAAD). Also called: Thoracic aortic aneurysms and dissections. Identifiers: Orphanet 91387, MedGen C4707243, MONDO:0019625.
Marfan syndrome (MFS). Also called: Marfan syndrome, classic; Marfan syndrome type 1; Marfan's syndrome; FBN1-Related Marfan Syndrome; MARFAN SYNDROME, TYPE I. Identifiers: Orphanet 284963, Orphanet 558, MedGen C0024796, MONDO:0007947, OMIM 154700.

Submissions (4):

Labcorp Genetics (formerly Invitae), Labcorp
Classification: Likely benign for Marfan syndrome; Familial thoracic aortic aneurysm and aortic dissection. Last evaluated: 2025-12-17. Review status: criteria provided, single submitter. Criteria: Invitae Variant Classification Sherloc (09022015). Collection method: clinical testing. Allele origin: germline.

Molecular Diagnostic Laboratory for Inherited Cardiovascular Disease, Montreal Heart Institute
Classification: Likely benign. Last evaluated: 2025-07-24. Review status: criteria provided, single submitter. Criteria: ACMG Guidelines, 2015. Collection method: clinical testing. Allele origin: germline. Affected: no.
Comment: BS1

GeneDx
Classification: Likely benign. Last evaluated: 2023-08-24. Review status: criteria provided, single submitter. Criteria: GeneDx Variant Classification Process June 2021. Collection method: clinical testing. Allele origin: germline. Affected: yes.
Comment: See Variant Classification Assertion Criteria.

Color Diagnostics, LLC DBA Color Health
Classification: Likely benign for Familial thoracic aortic aneurysm and aortic dissection. Last evaluated: 2019-01-06. Review status: criteria provided, single submitter. Criteria: ACMG Guidelines, 2015. Collection method: clinical testing. Allele origin: germline.

NM_000138.5(FBN1):c.347-19CTT[2]

Gene: FBN1 (fibrillin 1; minus strand). Cytogenetic location: 15q21.1.
Variant type: Microsatellite.
Coding change: c.347-19CTT[2] on transcript NM_000138.5 (MANE Select); two copies in a row of the 3-base unit CTT starting at c.347-19; the reference has three copies in a row; one copy, 3 bases deleted.
Molecular consequence: intron variant.
Genome position (GRCh38, 1-based): chr15:48,600,245-48,600,247, AAG deleted on the plus strand (CTT on the coding strand, the reverse complement: FBN1 is on the minus strand); deleting any 3 consecutive bases within chr15:48,600,245-48,600,255 gives the same sequence; the position shown is the placement nearest the transcript's 3' end. VCF-style (leftmost placement, unchanged base first): chr15-48600244-AAAG-A. GRCh37 (hg19) VCF-style: chr15-48892441-AAAG-A.
Other names: c.347-13_347-11del (NM_000138.4); c.347-19CTT[2] (NM_000138.4).
Identifiers: ClinVar variation 922011 (VCV000922011.11), dbSNP rs756583965, ClinGen allele CA050882.